The following is an entry in ClinVar:

NM_000179.3(MSH6):c.1045C>G (p.Gln349Glu)

Gene: MSH6 (mutS homolog 6; plus strand). Cytogenetic location: 2p16.3.
Variant type: single nucleotide variant.
Coding change: c.1045C>G on transcript NM_000179.3 (MANE Select); coding-DNA position 1045, C replaced by G.
Protein change: p.Gln349Glu; replaces glutamine 349 with glutamic acid.
Molecular consequence: missense variant.
Genome position (GRCh38, 1-based): chr2:47,799,028, C>G. VCF-style: chr2-47799028-C-G. GRCh37 (hg19) VCF-style: chr2-48026167-C-G.
Other names: c.655C>G, p.Gln219Glu (NM_001281492.2); c.139C>G, p.Gln47Glu (NM_001281493.2, NM_001281494.2); short protein forms Q349E, Q219E, Q47E.
Identifiers: ClinVar variation 489956 (VCV000489956.16), dbSNP rs863224473, ClinGen allele CA346741496.

ClinVar aggregate classification (germline): Conflicting classifications of pathogenicity. Review status: criteria provided, conflicting classifications (1 of 4 stars). 5 submissions from 5 submitters: Uncertain significance (4); Likely benign (1). Last evaluated 2026-10-07.

Conditions:
Hereditary nonpolyposis colorectal neoplasms. Identifiers: MedGen C0009405, MeSH D003123.
Inherited ovarian cancer (without breast cancer).
Lynch syndrome. Identifiers: Orphanet 144, MedGen C4552100, MONDO:0005835. Disease mechanism: loss of function.
Hereditary cancer-predisposing syndrome. Also called: Tumor predisposition; Hereditary Cancer Syndrome; Hereditary neoplastic syndrome; Neoplastic Syndromes, Hereditary. Identifiers: Orphanet 140162, MedGen C0027672, MeSH D009386, MONDO:0015356.

Allele frequency attached by ClinVar (database versions not stated): gnomAD exomes below 0.00001.
gnomAD v4.1: 2 of 1,614,184 alleles (0.00012%); highest among the groups gnomAD compares: Non-Finnish European, 0.00017%; no homozygotes.

Submissions (5):

Cambridge Genomics Laboratory, East Genomic Laboratory Hub, NHS Genomic Medicine Service
Classification: Uncertain significance for Inherited ovarian cancer (without breast cancer). Last evaluated: 2026-10-07. Review status: criteria provided, single submitter. Criteria: ACGS Best Practice Guidelines for Variant Classification in Rare Disease 2020. Collection method: clinical testing. Allele origin: germline. Affected: yes.
Comment: PM2_Supporting,BP4

Labcorp Genetics (formerly Invitae), Labcorp
Classification: Likely benign for Hereditary nonpolyposis colorectal neoplasms. Last evaluated: 2026-01-13. Review status: criteria provided, single submitter. Criteria: Invitae Variant Classification Sherloc (09022015). Collection method: clinical testing. Allele origin: germline.

Ambry Genetics
Classification: Uncertain significance for Hereditary cancer-predisposing syndrome. Last evaluated: 2024-10-20. Review status: criteria provided, single submitter. Criteria: Ambry Variant Classification Scheme 2023. Collection method: clinical testing. Allele origin: germline.

Color Diagnostics, LLC DBA Color Health
Classification: Uncertain significance for Hereditary cancer-predisposing syndrome. Last evaluated: 2024-03-06. Review status: criteria provided, single submitter. Criteria: ACMG Guidelines, 2015. Collection method: clinical testing. Allele origin: germline.
Comment: This missense variant replaces glutamine with glutamic acid at codon 349 of the MSH6 protein. Computational prediction suggests that this variant may not impact protein structure and function (internally defined REVEL score threshold <= 0.5, PMID: 27666373). To our knowledge, functional studies have not been reported for this variant. This variant has not been reported in individuals affected with hereditary cancer in the literature. This variant has been identified in 1/251288 chromosomes in the general population by the Genome Aggregation Database (gnomAD). The available evidence is insufficient to determine the role of this variant in disease conclusively. Therefore, this variant is classified as a Variant of Uncertain Significance.

All of Us Research Program, National Institutes of Health
Classification: Uncertain significance for Lynch syndrome. Last evaluated: 2023-05-30. Review status: criteria provided, single submitter. Criteria: ACMG Guidelines, 2015. Collection method: clinical testing. Allele origin: germline. Inheritance: Autosomal dominant inheritance. Observed: 1 variant allele, 1 heterozygote.
Comment: This missense variant replaces glutamine with glutamic acid at codon 349 of the MSH6 protein. Computational prediction suggests that this variant may not impact protein structure and function (internally defined REVEL score threshold <= 0.5, PMID: 27666373). To our knowledge, functional studies have not been reported for this variant. This variant has not been reported in individuals affected with hereditary cancer in the literature. This variant has been identified in 1/251288 chromosomes in the general population by the Genome Aggregation Database (gnomAD). The available evidence is insufficient to determine the role of this variant in disease conclusively. Therefore, this variant is classified as a Variant of Uncertain Significance.

This study involves interpretation of variants in research participants for the purpose of population health screening. Participant phenotype was not available at the time of variant classification. Additional details can be found in publication PMID: 35346344, PMCID: PMC8962531